The following is an entry in ClinVar:

ClinVar aggregate classification (germline): Pathogenic (1 of 4 stars; one submission).

Conditions:
Tuberous sclerosis 2 (TSC2). Identifiers: Orphanet 805, MedGen C1860707, MONDO:0013199, OMIM 613254.

Submission:

Labcorp Genetics (formerly Invitae), Labcorp
Classification: Pathogenic for Tuberous sclerosis 2. Last evaluated: 2022-03-26. Review status: criteria provided, single submitter. Criteria: Invitae Variant Classification Sherloc (09022015). Collection method: clinical testing. Allele origin: germline.
Comment: For these reasons, this variant has been classified as Pathogenic. This variant results in an extension of the TSC2 protein. Other variant(s) that result in a similarly extended protein product (p.Ser1761Leufs*60) have been determined to be pathogenic (PMID: 21520333, 25498131). This suggests that these extensions are likely to be disease-causing. This variant has not been reported in the literature in individuals affected with TSC2-related conditions. This variant is not present in population databases (gnomAD no frequency). This sequence change results in a frameshift in the TSC2 gene (p.Thr1733Ilefs*92). While this is not anticipated to result in nonsense mediated decay, it is expected to disrupt the last 75 amino acid(s) of the TSC2 protein and extend the protein by 16 additional amino acid residues.

Literature cited by the submitters: PubMed 21520333; PubMed 25498131.

NM_000548.5(TSC2):c.5196_5199del (p.Thr1733fs)

Gene: TSC2 (TSC complex subunit 2; plus strand). Cytogenetic location: 16p13.3.
Variant type: Deletion.
Coding change: c.5196_5199del on transcript NM_000548.5 (MANE Select); coding-DNA positions 5196 to 5199, 4 bases deleted (CACC; older notation c.5196_5199delCACC).
Protein change: p.Thr1733fs; shifts the reading frame from threonine 1733.
Molecular consequence: frameshift variant.
Genome position (GRCh38, 1-based): chr16:2,088,262-2,088,265, CACC deleted; deleting any 4 consecutive bases within chr16:2,088,260-2,088,265 gives the same sequence; the c. name uses the placement nearest the transcript's 3' end. VCF-style (leftmost placement, unchanged base first): chr16-2088259-CCCCA-C. GRCh37 (hg19) VCF-style: chr16-2138260-CCCCA-C.
Other names: c.4995_4998del, p.Thr1666fs (NM_001077183.3); c.5127_5130del, p.Thr1710fs (NM_001114382.3); c.4887_4890del, p.Thr1630fs (NM_001318827.2); c.4851_4854del, p.Thr1618fs (NM_001318829.2); c.4464_4467del, p.Thr1489fs (NM_001318831.2); c.5028_5031del, p.Thr1677fs (NM_001318832.2); c.4998_5001del, p.Thr1667fs (NM_001363528.2); c.5064_5067del, p.Thr1689fs (NM_001370404.1); and 27 more; short protein forms T1489fs, T1690fs, T1630fs, T1677fs, T1686fs, T1618fs, T1666fs, T1667fs.
Identifiers: ClinVar variation 2117893 (VCV002117893.4), dbSNP rs2544494019, ClinGen allele CA2580091162.